The following is an entry in ClinVar:

NM_001039141.3(TRIOBP):c.4271T>G (p.Leu1424Arg)

Gene: TRIOBP (TRIO and F-actin binding protein; plus strand). Cytogenetic location: 22q13.1.
Variant type: single nucleotide variant.
Coding change: c.4271T>G on transcript NM_001039141.3 (MANE Select); coding-DNA position 4271, T replaced by G.
Protein change: p.Leu1424Arg; replaces leucine 1424 with arginine.
Molecular consequence: missense variant.
Genome position (GRCh38, 1-based): chr22:37,734,607, T>G. VCF-style: chr22-37734607-T-G. GRCh37 (hg19) VCF-style: chr22-38130614-T-G.
Other names: short protein forms L1424R.
Identifiers: ClinVar variation 3343932 (VCV003343932.1).
Genomic context (GRCh38, chr22:37,734,607, plus strand): 5'-AGAGGGAGCTGCGGACACAGAGACCTCTGGAGAGTGGCCAAGCAGGCCCAAGACAGCCTC[T>G]GGGGGTGTGGCAGAGTCAGGAGGAACCGCCAGGGTCCCAGGGCCCTCATAGACACCTAGA-3'
Protein context (NP_001034230.1, residues 1414-1434): ESGQAGPRQP[Leu1424Arg]GVWQSQEEPP

ClinVar aggregate classification (germline): Uncertain significance (1 of 4 stars; one submission).

gnomAD v4.1: 1 of 1,581,966 alleles (0.000063%); no homozygotes.

Submission:

GeneDx
Classification: Uncertain significance. Last evaluated: 2024-02-09. Review status: criteria provided, single submitter. Criteria: GeneDx Variant Classification Process June 2021. Collection method: clinical testing. Allele origin: germline. Affected: yes.
Comment: Not observed at significant frequency in large population cohorts (gnomAD); In silico analysis supports that this missense variant does not alter protein structure/function; Has not been previously published as pathogenic or benign to our knowledge